The following is an entry in ClinVar:

NM_006431.3(CCT2):c.185T>C (p.Met62Thr)

Gene: CCT2 (chaperonin containing TCP1 subunit 2; plus strand). Cytogenetic location: 12q15.
Variant type: single nucleotide variant.
Coding change: c.185T>C on transcript NM_006431.3 (MANE Select); coding-DNA position 185, T replaced by C.
Protein change: p.Met62Thr; replaces methionine 62 with threonine.
Molecular consequence: missense variant.
Genome position (GRCh38, 1-based): chr12:69,587,545, T>C. VCF-style: chr12-69587545-T-C. GRCh37 (hg19) VCF-style: chr12-69981325-T-C.
Other names: c.44T>C, p.Met15Thr (NM_001198842.2); short protein forms M62T, M15T.
Identifiers: ClinVar variation 1926570 (VCV001926570.5), dbSNP rs1002412664, ClinGen allele CA239118829.

ClinVar aggregate classification (germline): Uncertain significance (1 of 4 stars; one submission).

Allele frequency attached by ClinVar (database versions not stated): gnomAD 0.00001; gnomAD exomes 0.00001; TOPMed 0.00002.
gnomAD v4.1: 15 of 1,613,698 alleles (0.00093%); highest among the groups gnomAD compares: East Asian, 0.0022%; no homozygotes.

Submission:

Labcorp Genetics (formerly Invitae), Labcorp
Classification: Uncertain significance. Last evaluated: 2023-07-07. Review status: criteria provided, single submitter. Criteria: Invitae Variant Classification Sherloc (09022015). Collection method: clinical testing. Allele origin: germline.
Comment: This variant has not been reported in the literature in individuals affected with CCT2-related conditions. ClinVar contains an entry for this variant (Variation ID: 1926570). An algorithm developed to predict the effect of missense changes on protein structure and function (PolyPhen-2) suggests that this variant is likely to be tolerated. In summary, the available evidence is currently insufficient to determine the role of this variant in disease. Therefore, it has been classified as a Variant of Uncertain Significance. This variant is present in population databases (no rsID available, gnomAD 0.01%). This sequence change replaces methionine, which is neutral and non-polar, with threonine, which is neutral and polar, at codon 62 of the CCT2 protein (p.Met62Thr).